The following is an entry in ClinVar:

ClinVar aggregate classification (germline): Uncertain significance. Review status: criteria provided, multiple submitters, no conflicts (2 of 4 stars). 2 submissions from 2 submitters: Uncertain significance (2). Last evaluated 2024-03-18.

Conditions:
Pigmentary pallidal degeneration (NBIA1). Also called: HARP SYNDROME; Pantothenate Kinase-Associated Neurodegeneration; Neuroaxonal dystrophy, late infantile; Hallervorden-Spatz disease; PKAN NEUROAXONAL DYSTROPHY, JUVENILE-ONSET; Neurodegeneration with brain iron accumulation 1. Identifiers: Orphanet 157850, MedGen C0018523, MONDO:0009319, OMIM 234200.

Allele frequency attached by ClinVar (database versions not stated): gnomAD exomes below 0.00001.
gnomAD v4.1: 6 of 1,614,078 alleles (0.00037%); highest among the groups gnomAD compares: Admixed American, 0.005%; no homozygotes.

Submissions (2):

Mayo Clinic Laboratories, Mayo Clinic
Classification: Uncertain significance. Last evaluated: 2024-03-18. Review status: criteria provided, single submitter. Criteria: ACMG Guidelines, 2015. Collection method: clinical testing. Allele origin: germline. Observed: 1 variant allele.
Comment: PM2

Labcorp Genetics (formerly Invitae), Labcorp
Classification: Uncertain significance for Pigmentary pallidal degeneration. Last evaluated: 2023-11-27. Review status: criteria provided, single submitter. Criteria: Invitae Variant Classification Sherloc (09022015). Collection method: clinical testing. Allele origin: germline.
Comment: This sequence change replaces isoleucine, which is neutral and non-polar, with valine, which is neutral and non-polar, at codon 328 of the PANK2 protein (p.Ile328Val). This variant is present in population databases (no rsID available, gnomAD 0.009%). This variant has not been reported in the literature in individuals affected with PANK2-related conditions. ClinVar contains an entry for this variant (Variation ID: 1946519). An algorithm developed to predict the effect of missense changes on protein structure and function (PolyPhen-2) suggests that this variant is likely to be tolerated. In summary, the available evidence is currently insufficient to determine the role of this variant in disease. Therefore, it has been classified as a Variant of Uncertain Significance.

NM_001386393.1(PANK2):c.652A>G (p.Ile218Val)

Gene: PANK2 (pantothenate kinase 2; plus strand). Cytogenetic location: 20p13.
Variant type: single nucleotide variant.
Coding change: c.652A>G on transcript NM_001386393.1 (MANE Select); coding-DNA position 652, A replaced by G.
Protein change: p.Ile218Val; replaces isoleucine 218 with valine.
Molecular consequence: missense variant. On other transcripts: 5 prime UTR variant (1), non-coding transcript variant (1).
Genome position (GRCh38, 1-based): chr20:3,910,577, A>G. VCF-style: chr20-3910577-A-G. GRCh37 (hg19) VCF-style: chr20-3891224-A-G.
Other names: p.Ile328Val; c.109A>G, p.Ile37Val (NM_001324191.2, NM_024960.6, NM_153640.4); c.-327A>G (NM_001324193.2); c.982A>G, p.Ile328Val (NM_153638.4); c.982A>G (NM_153638.3); short protein forms I218V, I328V, I37V.
Identifiers: ClinVar variation 1946519 (VCV001946519.6), dbSNP rs1271966967, ClinGen allele CA408114330.
Genomic context (GRCh38, chr20:3,910,577, plus strand): 5'-TGGAATTTTTGTTTCTGTTGGCTTATTAAAAAGTCTGAGTACATTCTTATTTCATTACAG[A>G]TAGGTGATCTTCAGCTTTGCAAACTGGATGAACTAGATTGCTTGATCAAAGGAATTTTAT-3'
Protein context (NP_001373322.1, residues 208-228): AYKFEQDFLT[Ile218Val]GDLQLCKLDE